The following is an entry in ClinVar:

NM_000426.4(LAMA2):c.4436A>G (p.Asn1479Ser)

Gene: LAMA2 (laminin subunit alpha 2; plus strand). Cytogenetic location: 6q22.33.
Variant type: single nucleotide variant.
Coding change: c.4436A>G on transcript NM_000426.4 (MANE Select); coding-DNA position 4436, A replaced by G.
Protein change: p.Asn1479Ser; replaces asparagine 1479 with serine.
Molecular consequence: missense variant.
Genome position (GRCh38, 1-based): chr6:129,342,467, A>G. VCF-style: chr6-129342467-A-G. GRCh37 (hg19) VCF-style: chr6-129663612-A-G.
Other names: p.Asn1479Ser; c.4436A>G, p.Asn1479Ser (NM_001079823.2); short protein forms N1479S.
Identifiers: ClinVar variation 2433308 (VCV002433308.4), dbSNP rs772192897, ClinGen allele CA3993538.

ClinVar aggregate classification (germline): Uncertain significance. Review status: criteria provided, multiple submitters, no conflicts (2 of 4 stars). 2 submissions from 2 submitters: Uncertain significance (2). Last evaluated 2025-07-16.

Allele frequency attached by ClinVar (database versions not stated): ExAC 0.00001.
gnomAD v4.1: 1 of 1,612,830 alleles (0.000062%); no homozygotes.

Submissions (2):

Mayo Clinic Laboratories, Mayo Clinic
Classification: Uncertain significance. Last evaluated: 2025-07-16. Review status: criteria provided, single submitter. Criteria: ACMG Guidelines, 2015. Collection method: clinical testing. Allele origin: germline. Observed: 1 variant allele.
Comment: BP4_moderate

Revvity Omics, Revvity
Classification: Uncertain significance. Last evaluated: 2022-01-27. Review status: criteria provided, single submitter. Criteria: ACMG Guidelines, 2015. Collection method: clinical testing. Allele origin: germline.